The following is an entry in ClinVar:

NM_000388.4(CASR):c.1091C>A (p.Ala364Glu)

Gene: CASR (calcium sensing receptor; plus strand). Cytogenetic location: 3q21.1.
Variant type: single nucleotide variant.
Coding change: c.1091C>A on transcript NM_000388.4 (MANE Select); coding-DNA position 1091, C replaced by A.
Protein change: p.Ala364Glu; replaces alanine 364 with glutamic acid.
Molecular consequence: missense variant.
Genome position (GRCh38, 1-based): chr3:122,262,126, C>A. VCF-style: chr3-122262126-C-A. GRCh37 (hg19) VCF-style: chr3-121980973-C-A.
Other names: c.1091C>A, p.Ala364Glu (NM_001178065.2); c.1091C>A (NM_001178065.1); short protein forms A364E.
Identifiers: ClinVar variation 463891 (VCV000463891.18), dbSNP rs200771541, ClinGen allele CA2569589.
Genomic context (GRCh38, chr3:122,262,126, plus strand): 5'-ACAATGGTTTTGCCAAGGAGTTTTGGGAAGAAACATTTAACTGCCACCTCCAAGAAGGTG[C>A]AAAAGGACCTTTACCTGTGGACACCTTTCTGAGAGGTCACGAAGAAAGTGGCGACAGGTT-3'
Protein context (NP_000379.3, residues 354-374): ETFNCHLQEG[Ala364Glu]KGPLPVDTFL

ClinVar aggregate classification (germline): Conflicting classifications of pathogenicity. Review status: criteria provided, conflicting classifications (1 of 4 stars). 4 submissions from 4 submitters: Uncertain significance (3); Likely benign (1). Last evaluated 2026-09-01.

Conditions:
Familial hypocalciuric hypercalcemia (FHH). Also called: Familial benign hypercalcemia. Identifiers: Orphanet 405, MedGen C1809471, MONDO:0018458.
Autosomal dominant hypocalcemia 1 (HYPOC1). Also called: HYPOCALCEMIA, FAMILIAL. Identifiers: MedGen C3715128, MONDO:0011013, OMIM 601198.
CASR-related disorder. Also called: CASR-related condition.
Nephrolithiasis/nephrocalcinosis. Identifiers: MedGen CN580796.
Neonatal severe primary hyperparathyroidism. Identifiers: Orphanet 417, MedGen C1832615, MONDO:0009397, OMIM 239200.
Epilepsy, idiopathic generalized, susceptibility to, 8. Identifiers: MedGen C2752062, MONDO:0013032, OMIM 612899.
Familial hypocalciuric hypercalcemia 1. Also called: Hypercalcemia, familial benign type 1. Identifiers: Orphanet 405, Orphanet 93372, MedGen C0342637, MONDO:0007791, OMIM 145980.

Allele frequency attached by ClinVar (database versions not stated): gnomAD 0.00001; ExAC 0.00002; gnomAD exomes 0.00002 and 0.00009; TOPMed 0.00002.
gnomAD v4.1: 132 of 1,614,042 alleles (0.0082%); highest among the groups gnomAD compares: Non-Finnish European, 0.011%; no homozygotes.

Submissions (4):

PreventionGenetics, part of Exact Sciences
Classification: Uncertain significance for CASR-related condition. Last evaluated: 2026-09-01. Review status: criteria provided, single submitter. Criteria: ACMG Guidelines, 2015. Collection method: clinical testing. Allele origin: germline.
Comment: The CASR c.1091C>A variant is predicted to result in the amino acid substitution p.Ala364Glu. To our knowledge, this variant has not been reported in the literature. This variant is reported in 0.0026% of alleles in individuals of European (Non-Finnish) descent in gnomAD. At this time, the clinical significance of this variant is uncertain due to the absence of conclusive functional and genetic evidence.

Labcorp Genetics (formerly Invitae), Labcorp
Classification: Likely benign for Familial hypocalciuric hypercalcemia; Autosomal dominant hypocalcemia 1. Last evaluated: 2025-09-09. Review status: criteria provided, single submitter. Criteria: Invitae Variant Classification Sherloc (09022015). Collection method: clinical testing. Allele origin: germline.

Ambry Genetics
Classification: Uncertain significance for Nephrolithiasis/nephrocalcinosis. Last evaluated: 2024-03-21. Review status: criteria provided, single submitter. Criteria: Ambry Variant Classification Scheme 2023. Collection method: clinical testing. Allele origin: germline.
Comment: The p.A364E variant (also known as c.1091C>A), located in coding exon 3 of the CASR gene, results from a C to A substitution at nucleotide position 1091. The alanine at codon 364 is replaced by glutamic acid, an amino acid with dissimilar properties. This amino acid position is not well conserved in available vertebrate species. In addition, this alteration is predicted to be tolerated by in silico analysis. In addition, the evidence for the gene-disease relationship is limited for pancreatitis and cancer predisposition; therefore, the clinical significance of this variant for CASR-related pancreatitis and cancer predisposition is unclear. Based on the available evidence, the clinical significance of this alteration remains unclear.

Fulgent Genetics
Classification: Uncertain significance for Familial hypocalciuric hypercalcemia 1; Neonatal severe primary hyperparathyroidism; Autosomal dominant hypocalcemia 1; Epilepsy, idiopathic generalized, susceptibility to, 8. Last evaluated: 2022-03-05. Review status: criteria provided, single submitter. Criteria: ACMG Guidelines, 2015. Collection method: clinical testing. Allele origin: unknown.